The following is an entry in ClinVar:

NM_001044.5(SLC6A3):c.898G>A (p.Val300Ile)

Gene: SLC6A3 (solute carrier family 6 member 3). Cytogenetic location: 5p15.33.
Variant type: single nucleotide variant.
Coding change: c.898G>A on transcript NM_001044.5 (MANE Select); coding-DNA position 898, G replaced by A.
Protein change: p.Val300Ile; replaces valine 300 with isoleucine.
Molecular consequence: missense variant.
Genome position (GRCh38, 1-based): chr5:1,420,598, C>T on the plus strand (G>A on the coding strand, the complement: SLC6A3 is on the minus strand). VCF-style: chr5-1420598-C-T. GRCh37 (hg19) VCF-style: chr5-1420713-C-T.
Other names: c.898G>A (NM_001044.4); short protein forms V300I.
Identifiers: ClinVar variation 1022175 (VCV001022175.12), dbSNP rs145782788, ClinGen allele CA3186240.

ClinVar aggregate classification (germline): Uncertain significance. Review status: criteria provided, multiple submitters, no conflicts (2 of 4 stars). 3 submissions from 3 submitters: Uncertain significance (3). Last evaluated 2025-12-08.

Conditions:
Parkinsonism-dystonia, infantile. Identifiers: Orphanet 238455, MedGen C2751067, MONDO:0013150.
Tobacco addiction, susceptibility to. Also called: CIGARETTE HABITUATION, SUSCEPTIBILITY TO. Identifiers: MedGen C1861063, MONDO:0100460, OMIM 188890.
Classic dopamine transporter deficiency syndrome (PKDYS1). Also called: Parkinsonism-dystonia, infantile, 1; DOPAMINE TRANSPORTER DEFICIENCY SYNDROME. Identifiers: Orphanet 238455, MedGen C5700336, MONDO:0054835, OMIM 613135.

Allele frequency attached by ClinVar (database versions not stated): gnomAD 0.00013 and 0.00012; gnomAD exomes 0.00010 and 0.00018; TOPMed 0.00012; ExAC 0.00013; ESP Exome Variant Server 0.00038.
gnomAD v4.1: 278 of 1,613,432 alleles (0.017%); highest among the groups gnomAD compares: Middle Eastern, 0.033%; no homozygotes.

Submissions (3):

GeneDx
Classification: Uncertain significance. Last evaluated: 2025-12-08. Review status: criteria provided, single submitter. Criteria: GeneDx Variant Classification Process June 2021. Collection method: clinical testing. Allele origin: germline.
Comment: In silico analysis suggests that this missense variant does not alter protein structure/function; Has not been previously published as pathogenic or benign to our knowledge; This variant is associated with the following publications: (PMID: 24332984)

Labcorp Genetics (formerly Invitae), Labcorp
Classification: Uncertain significance for Parkinsonism-dystonia, infantile. Last evaluated: 2024-08-15. Review status: criteria provided, single submitter. Criteria: Invitae Variant Classification Sherloc (09022015). Collection method: clinical testing. Allele origin: germline.
Comment: This sequence change replaces valine, which is neutral and non-polar, with isoleucine, which is neutral and non-polar, at codon 300 of the SLC6A3 protein (p.Val300Ile). This variant is present in population databases (rs145782788, gnomAD 0.02%). This variant has not been reported in the literature in individuals affected with SLC6A3-related conditions. ClinVar contains an entry for this variant (Variation ID: 1022175). An algorithm developed to predict the effect of missense changes on protein structure and function (PolyPhen-2) suggests that this variant is likely to be tolerated. In summary, the available evidence is currently insufficient to determine the role of this variant in disease. Therefore, it has been classified as a Variant of Uncertain Significance.

Fulgent Genetics
Classification: Uncertain significance for Tobacco addiction, susceptibility to; Classic dopamine transporter deficiency syndrome. Last evaluated: 2022-03-15. Review status: criteria provided, single submitter. Criteria: ACMG Guidelines, 2015. Collection method: clinical testing. Allele origin: unknown.